The following is an entry in ClinVar:

ClinVar aggregate classification (germline): Uncertain significance (1 of 4 stars; one submission).

Conditions:
Hereditary sensory and autonomic neuropathy type 6. Also called: HSAN VI; Neuropathy, hereditary sensory and autonomic, type VI. Identifiers: Orphanet 314381, MedGen C3539003, MONDO:0013839, OMIM 614653.
Epidermolysis bullosa simplex 3, localized or generalized intermediate, with BP230 deficiency (EBS3). Also called: Epidermolysis bullosa simplex due to BP230 deficiency; Epidermolysis bullosa simplex, autosomal recessive 2. Identifiers: Orphanet 412181, MedGen C3809470, MONDO:0014180, OMIM 615425.

Allele frequency attached by ClinVar (database versions not stated): gnomAD 0.00001.
gnomAD v4.1: 2 of 1,577,132 alleles (0.00013%); highest among the groups gnomAD compares: Admixed American, 0.0036%; no homozygotes.

Submission:

Labcorp Genetics (formerly Invitae), Labcorp
Classification: Uncertain significance for Epidermolysis bullosa simplex 3, localized or generalized intermediate, with BP230 deficiency; Hereditary sensory and autonomic neuropathy type 6. Last evaluated: 2022-06-26. Review status: criteria provided, single submitter. Criteria: Invitae Variant Classification Sherloc (09022015). Collection method: clinical testing. Allele origin: germline.
Comment: In summary, the available evidence is currently insufficient to determine the role of this variant in disease. Therefore, it has been classified as a Variant of Uncertain Significance. Experimental studies and prediction algorithms are not available or were not evaluated, and the effect of this variant on mRNA splicing is currently unknown. This variant has not been reported in the literature in individuals affected with DST-related conditions. This variant is not present in population databases (gnomAD no frequency). This sequence change falls in intron 63 of the DST gene. It does not directly change the encoded amino acid sequence of the DST protein. The DST gene has multiple clinically relevant transcripts. This variant occurs in alternate transcript NM_015548.4, and corresponds to NM_001723.5:c.*121319G>C in the primary transcript.

NM_001374736.1(DST):c.20224-18G>C

Gene: DST (dystonin; minus strand). Cytogenetic location: 6p12.1.
Variant type: single nucleotide variant.
Coding change: c.20224-18G>C on transcript NM_001374736.1 (MANE Select); 18 bases into the intron before coding-DNA position 20224, G replaced by C.
Molecular consequence: intron variant.
Genome position (GRCh38, 1-based): chr6:56,494,198, C>G on the plus strand (G>C on the coding strand, the complement: DST is on the minus strand). VCF-style: chr6-56494198-C-G. GRCh37 (hg19) VCF-style: chr6-56358996-C-G.
Other names: c.13867-18G>C (NM_001144769.5); c.20224-18G>C (NM_001374722.1); c.20251-18G>C (NM_001374734.1); c.13453-18G>C (NM_001144770.2); c.13006-18G>C (NM_001374730.1); c.13333-18G>C (NM_001386100.1, NM_183380.4); c.19264-18G>C (NM_001374729.1); c.12355-18G>C (NM_015548.5).
Identifiers: ClinVar variation 2151488 (VCV002151488.4), dbSNP rs945391535, ClinGen allele CA139190120.